The following is an entry in ClinVar:

ClinVar aggregate classification (germline): Pathogenic. Review status: criteria provided, single submitter (1 of 4 stars). 2 submissions from 2 submitters: Pathogenic (1). 1 of the submissions does not count toward it.

Conditions:
Global developmental delay with speech and behavioral abnormalities. Identifiers: MedGen C5543226, MONDO:0030995, OMIM 619243.

Submissions (2):

3billion
Classification: Pathogenic for Global developmental delay with speech and behavioral abnormalities. Review status: criteria provided, single submitter. Criteria: ACMG Guidelines, 2015. Collection method: clinical testing. Allele origin: unknown. Affected: yes. Observed: 1 heterozygote.
Comment: The variant is not observed in the gnomAD v2.1.1 dataset. The variant is predicted to result in a loss or disruption of normal protein function through nonsense-mediated decay (NMD) or protein truncation. Multiple pathogenic variants are reported downstream of the variant. The variant has been reported to be associated with TNRC6B related disorder (ClinVar ID: VCV001048537 / PMID: 29463886). Therefore, this variant is classified as Pathogenic according to the recommendation of ACMG/AMP guideline.

OMIM
Classification: Pathogenic for GLOBAL DEVELOPMENTAL DELAY WITH SPEECH AND BEHAVIORAL ABNORMALITIES. Last evaluated: 2021-03-26. Review status: no assertion criteria provided. Collection method: literature only. Allele origin: germline. Not counted in ClinVar's aggregate classification.

Literature cited by the submitters: PubMed 29463886 (cited by 3billion and OMIM).

NM_001162501.2(TNRC6B):c.2040G>A (p.Trp680Ter)

Gene: TNRC6B (trinucleotide repeat containing adaptor 6B; plus strand). Cytogenetic location: 22q13.1.
Variant type: single nucleotide variant.
Coding change: c.2040G>A on transcript NM_001162501.2 (MANE Select); coding-DNA position 2040, G replaced by A.
Protein change: p.Trp680Ter; replaces tryptophan 680 with a stop codon.
Molecular consequence: nonsense. On other transcripts: intron variant (1).
Genome position (GRCh38, 1-based): chr22:40,266,270, G>A. VCF-style: chr22-40266270-G-A. GRCh37 (hg19) VCF-style: chr22-40662274-G-A.
Other names: c.2040G>A, p.Trp680Ter (NM_015088.3); c.566-3852G>A (NM_001024843.2); short protein forms W680*.
Identifiers: ClinVar variation 1048537 (VCV001048537.2), dbSNP rs758228613, ClinGen allele CA411631794.